The following is an entry in ClinVar:

ClinVar aggregate classification (germline): Uncertain significance (1 of 4 stars; one submission).

gnomAD v4.1: 1 of 1,614,126 alleles (0.000062%); highest among the groups gnomAD compares: Non-Finnish European, 0.000085%; no homozygotes.

Submission:

Genetic Services Laboratory, University of Chicago
Classification: Uncertain significance. Last evaluated: 2020-08-07. Review status: criteria provided, single submitter. Criteria: ACMG Guidelines, 2015. Collection method: clinical testing. Allele origin: germline. Affected: no.
Comment: DNA sequence analysis of the SYNE1 gene demonstrated a sequence change, c.25085C>T, in exon 139 that results in an amino acid change, p.Thr8362Ile. This sequence change does not appear to have been previously described in patients with SYNE1-related disorders and has also not been described in population databases (gnomAD, ExAC). The p.Thr8362Ile change affects a moderately conserved amino acid residue located in a domain of the SYNE1 protein that is not known to be functional. In-silico pathogenicity prediction tools (SIFT, PolyPhen2, Align GVGD, REVEL) provide contradictory results for the p.Thr8362Ile substitution. Due to these contrasting evidences and the lack of functional studies, the clinical significance of the p.Thr8362Ile change remains unknown at this time.

NM_182961.4(SYNE1):c.25229C>T (p.Thr8410Ile)

Gene: SYNE1 (spectrin repeat containing nuclear envelope protein 1; minus strand). Cytogenetic location: 6q25.2.
Variant type: single nucleotide variant.
Coding change: c.25229C>T on transcript NM_182961.4 (MANE Select); coding-DNA position 25229, C replaced by T.
Protein change: p.Thr8410Ile; replaces threonine 8410 with isoleucine.
Molecular consequence: missense variant.
Genome position (GRCh38, 1-based): chr6:152,141,220, G>A on the plus strand (C>T on the coding strand, the complement: SYNE1 is on the minus strand). VCF-style: chr6-152141220-G-A. GRCh37 (hg19) VCF-style: chr6-152462355-G-A.
Other names: c.1835C>T, p.Thr612Ile (NM_001347701.2); c.1763C>T, p.Thr588Ile (NM_001347702.2); c.25085C>T, p.Thr8362Ile (NM_033071.5); short protein forms T588I, T612I, T8362I, T8410I.
Identifiers: ClinVar variation 1337689 (VCV001337689.4), dbSNP rs2058481714, ClinGen allele CA366081288.